The following is an entry in ClinVar:

ClinVar aggregate classification (germline): Uncertain significance (1 of 4 stars; one submission).

Submission:

Labcorp Genetics (formerly Invitae), Labcorp
Classification: Uncertain significance. Last evaluated: 2023-06-03. Review status: criteria provided, single submitter. Criteria: Invitae Variant Classification Sherloc (09022015). Collection method: clinical testing. Allele origin: germline.
Comment: In summary, the available evidence is currently insufficient to determine the role of this variant in disease. Therefore, it has been classified as a Variant of Uncertain Significance. Advanced modeling of protein sequence and biophysical properties (such as structural, functional, and spatial information, amino acid conservation, physicochemical variation, residue mobility, and thermodynamic stability) has been performed at Invitae for this missense variant, however the output from this modeling did not meet the statistical confidence thresholds required to predict the impact of this variant on HK1 protein function. This variant has not been reported in the literature in individuals affected with HK1-related conditions. This variant is not present in population databases (gnomAD no frequency). This sequence change replaces glycine, which is neutral and non-polar, with valine, which is neutral and non-polar, at codon 179 of the HK1 protein (p.Gly179Val).

NM_000188.3(HK1):c.536G>T (p.Gly179Val)

Gene: HK1 (hexokinase 1; plus strand). Cytogenetic location: 10q22.1.
Variant type: single nucleotide variant.
Coding change: c.536G>T on transcript NM_000188.3 (MANE Select); coding-DNA position 536, G replaced by T.
Protein change: p.Gly179Val; replaces glycine 179 with valine.
Molecular consequence: missense variant. On other transcripts: intron variant (1).
Genome position (GRCh38, 1-based): chr10:69,368,576, G>T. VCF-style: chr10-69368576-G-T. GRCh37 (hg19) VCF-style: chr10-71128332-G-T.
Other names: c.548G>T, p.Gly183Val (NM_001322364.2, NM_001358263.1, NM_033497.3 and 1 more transcripts); c.641G>T, p.Gly214Val (NM_001322365.2); c.452G>T, p.Gly151Val (NM_001322366.1); c.533G>T, p.Gly178Val (NM_033496.3); c.500G>T, p.Gly167Val (NM_033500.2); c.496-661G>T (NM_001322367.1); short protein forms G151V, G214V, G183V, G179V, G167V, G178V.
Identifiers: ClinVar variation 2763930 (VCV002763930.3), dbSNP rs2540365793, ClinGen allele CA376913587.